The following is an entry in ClinVar:

ClinVar aggregate classification (germline): Uncertain significance (1 of 4 stars; one submission).

Submission:

Ambry Genetics
Classification: Uncertain significance. Last evaluated: 2026-07-10. Review status: criteria provided, single submitter. Criteria: Ambry Variant Classification Scheme 2023. Collection method: clinical testing. Allele origin: germline.
Comment: The p.M1264V variant (also known as c.3790A>G), located in coding exon 25 of the MYOM1 gene, results from an A to G substitution at nucleotide position 3790. The methionine at codon 1264 is replaced by valine, an amino acid with highly similar properties. This amino acid position is conserved. In addition, this alteration is predicted to be tolerated by in silico analysis. Based on the available evidence, the clinical significance of this variant remains unclear.

NM_003803.4(MYOM1):c.3790A>G (p.Met1264Val)

Gene: MYOM1 (myomesin 1; minus strand). Cytogenetic location: 18p11.31.
Variant type: single nucleotide variant.
Coding change: c.3790A>G on transcript NM_003803.4 (MANE Select); coding-DNA position 3790, A replaced by G.
Protein change: p.Met1264Val; replaces methionine 1264 with valine.
Molecular consequence: missense variant.
Genome position (GRCh38, 1-based): chr18:3,094,244, T>C on the plus strand (A>G on the coding strand, the complement: MYOM1 is on the minus strand). VCF-style: chr18-3094244-T-C. GRCh37 (hg19) VCF-style: chr18-3094242-T-C.
Other names: c.3502A>G, p.Met1168Val (NM_019856.2); short protein forms M1264V, M1168V.
Identifiers: ClinVar variation 5025269 (VCV005025269.1).